The following is an entry in ClinVar:

NM_001378452.1(ITPR1):c.7544C>T (p.Ser2515Phe)

Gene: ITPR1 (inositol 1,4,5-trisphosphate receptor type 1; plus strand). Cytogenetic location: 3p26.1.
Variant type: single nucleotide variant.
Coding change: c.7544C>T on transcript NM_001378452.1 (MANE Select); coding-DNA position 7544, C replaced by T.
Protein change: p.Ser2515Phe; replaces serine 2515 with phenylalanine.
Molecular consequence: missense variant.
Genome position (GRCh38, 1-based): chr3:4,813,217, C>T. VCF-style: chr3-4813217-C-T. GRCh37 (hg19) VCF-style: chr3-4854901-C-T.
Other names: c.7400C>T, p.Ser2467Phe (NM_001099952.4); c.7499C>T, p.Ser2500Phe (NM_001168272.2); c.7355C>T, p.Ser2452Phe (NM_002222.7); short protein forms S2500F, S2467F, S2452F, S2515F.
Identifiers: ClinVar variation 2828936 (VCV002828936.3), dbSNP rs2470171802, ClinGen allele CA351648833.
Genomic context (GRCh38, chr3:4,813,217, plus strand): 5'-TGGCAAGCGAGTTCCTGTTCTCCGATGTGTGTAGGGTGGAGAGTGGGGAGAACTGCTCCT[C>T]TCCTGCACCCAGAGAAGGTAGGACCTCCTAACTGTAAGCCCCATGTTAATATCGGACTCC-3'
Protein context (NP_001365381.1, residues 2505-2525): CRVESGENCS[Ser2515Phe]PAPREELVPA

ClinVar aggregate classification (germline): Uncertain significance (1 of 4 stars; one submission).

gnomAD v4.1: 1 of 1,611,370 alleles (0.000062%); no homozygotes.

Submission:

Labcorp Genetics (formerly Invitae), Labcorp
Classification: Uncertain significance. Last evaluated: 2023-01-15. Review status: criteria provided, single submitter. Criteria: Invitae Variant Classification Sherloc (09022015). Collection method: clinical testing. Allele origin: germline.
Comment: This sequence change replaces serine, which is neutral and polar, with phenylalanine, which is neutral and non-polar, at codon 2452 of the ITPR1 protein (p.Ser2452Phe). This variant is not present in population databases (gnomAD no frequency). This variant has not been reported in the literature in individuals affected with ITPR1-related conditions. Advanced modeling of protein sequence and biophysical properties (such as structural, functional, and spatial information, amino acid conservation, physicochemical variation, residue mobility, and thermodynamic stability) has been performed at Invitae for this missense variant, however the output from this modeling did not meet the statistical confidence thresholds required to predict the impact of this variant on ITPR1 protein function. In summary, the available evidence is currently insufficient to determine the role of this variant in disease. Therefore, it has been classified as a Variant of Uncertain Significance.